The following is an entry in ClinVar:

ClinVar aggregate classification (germline): Uncertain significance (1 of 4 stars; one submission).

Conditions:
PGM1-congenital disorder of glycosylation. Also called: Congenital disorder of glycosylation type 1t; GSD XIV; CDG It; PHOSPHOGLUCOMUTASE 1 DEFICIENCY; PGM1 DEFICIENCY; GLYCOGEN STORAGE DISEASE XIV. Identifiers: Orphanet 319646, MedGen C2752015, MONDO:0013968, OMIM 614921.

Submission:

Labcorp Genetics (formerly Invitae), Labcorp
Classification: Uncertain significance for PGM1-congenital disorder of glycosylation. Last evaluated: 2022-09-13. Review status: criteria provided, single submitter. Criteria: Invitae Variant Classification Sherloc (09022015). Collection method: clinical testing. Allele origin: germline.
Comment: In summary, the available evidence is currently insufficient to determine the role of this variant in disease. Therefore, it has been classified as a Variant of Uncertain Significance. Experimental studies and prediction algorithms are not available or were not evaluated, and the effect of this variant on mRNA splicing is currently unknown. This variant has not been reported in the literature in individuals affected with PGM1-related conditions. Information on the frequency of this variant in the gnomAD database is not available, as this variant may be reported differently in the database. This sequence change falls in intron 1 of the PGM1 gene. It does not directly change the encoded amino acid sequence of the PGM1 protein.

NM_002633.3(PGM1):c.246+20_246+21delinsAA

Genes: PGM1 (phosphoglucomutase 1; plus strand), LOC129930669 (ATAC-STARR-seq lymphoblastoid silent region 951; plus strand). Cytogenetic location: 1p31.3.
Variant type: Indel.
Coding change: c.246+20_246+21delinsAA on transcript NM_002633.3 (MANE Select); bases 20 to 21 of the intron after coding-DNA position 246, GC replaced by AA.
Molecular consequence: intron variant.
Genome position (GRCh38, 1-based): chr1:63,593,754-63,593,755, GC replaced by AA. VCF-style: chr1-63593754-GC-AA. GRCh37 (hg19) VCF-style: chr1-64059425-GC-AA.
Identifiers: ClinVar variation 2140956 (VCV002140956.2), dbSNP rs2523789601, ClinGen allele CA2580063156.